The following is an entry in ClinVar:

ClinVar aggregate classification (germline): Uncertain significance. Review status: criteria provided, multiple submitters, no conflicts (2 of 4 stars). 2 submissions from 2 submitters: Uncertain significance (2). Last evaluated 2021-10-29.

Conditions:
Primary ciliary dyskinesia. Also called: Ciliary dyskinesia. Identifiers: Orphanet 244, MedGen C0008780, MONDO:0016575, HP:0012265.

Submissions (2):

Ambry Genetics
Classification: Uncertain significance for Primary ciliary dyskinesia. Last evaluated: 2021-10-29. Review status: criteria provided, single submitter. Criteria: Ambry Variant Classification Scheme 2023. Collection method: clinical testing. Allele origin: germline.
Comment: The p.R2036L variant (also known as c.6107G>T), located in coding exon 37 of the DNAH5 gene, results from a G to T substitution at nucleotide position 6107. The arginine at codon 2036 is replaced by leucine, an amino acid with dissimilar properties. This amino acid position is conserved. In addition, the in silico prediction for this alteration is inconclusive. Since supporting evidence is limited at this time, the clinical significance of this alteration remains unclear.

Labcorp Genetics (formerly Invitae), Labcorp
Classification: Uncertain significance for Primary ciliary dyskinesia. Last evaluated: 2019-08-02. Review status: criteria provided, single submitter. Criteria: Invitae Variant Classification Sherloc (09022015). Collection method: clinical testing. Allele origin: germline.
Comment: In summary, the available evidence is currently insufficient to determine the role of this variant in disease. Therefore, it has been classified as a Variant of Uncertain Significance. Algorithms developed to predict the effect of missense changes on protein structure and function are either unavailable or do not agree on the potential impact of this missense change (SIFT: "Deleterious"; PolyPhen-2: "Possibly Damaging"; Align-GVGD: "Class C0"). This variant has not been reported in the literature in individuals with DNAH5-related conditions. This variant is not present in population databases (ExAC no frequency). This sequence change replaces arginine with leucine at codon 2036 of the DNAH5 protein (p.Arg2036Leu). The arginine residue is highly conserved and there is a moderate physicochemical difference between arginine and leucine.

NM_001369.3(DNAH5):c.6107G>T (p.Arg2036Leu)

Gene: DNAH5 (dynein axonemal heavy chain 5; minus strand). Cytogenetic location: 5p15.2.
Variant type: single nucleotide variant.
Coding change: c.6107G>T on transcript NM_001369.3 (MANE Select); coding-DNA position 6107, G replaced by T.
Protein change: p.Arg2036Leu; replaces arginine 2036 with leucine.
Molecular consequence: missense variant.
Genome position (GRCh38, 1-based): chr5:13,830,168, C>A on the plus strand (G>T on the coding strand, the complement: DNAH5 is on the minus strand). VCF-style: chr5-13830168-C-A. GRCh37 (hg19) VCF-style: chr5-13830277-C-A.
Other names: short protein forms R2036L.
Identifiers: ClinVar variation 947793 (VCV000947793.12), dbSNP rs760502991, ClinGen allele CA359201527.